The following is an entry in ClinVar:

ClinVar aggregate classification (germline): Uncertain significance (1 of 4 stars; one submission).

Conditions:
Diamond-Blackfan anemia. Also called: Blackfan Diamond syndrome; Aregenerative anemia chronic congenital; Red cell aplasia, pure hereditary; Congenital hypoplastic anemia; Aase syndrome. Identifiers: Orphanet 124, MedGen C1260899, MeSH D029503, MONDO:0015253, HP:0004810.

Submission:

Labcorp Genetics (formerly Invitae), Labcorp
Classification: Uncertain significance for Diamond-Blackfan anemia. Last evaluated: 2022-11-12. Review status: criteria provided, single submitter. Criteria: Invitae Variant Classification Sherloc (09022015). Collection method: clinical testing. Allele origin: germline.
Comment: In summary, the available evidence is currently insufficient to determine the role of this variant in disease. Therefore, it has been classified as a Variant of Uncertain Significance. Experimental studies and prediction algorithms are not available or were not evaluated, and the functional significance of this variant is currently unknown. This variant has not been reported in the literature in individuals affected with RPS10-related conditions. A copy number gain of the genomic region encompassing the full coding sequence of the RPS10 gene has been identified. The boundaries of this event are unknown as they extend beyond the assayed region for this gene and therefore may encompass additional genes. As the precise location of this event is unknown, it may be in tandem or it may be located elsewhere in the genome.

NC_000006.11:g.(?_34385283)_(34392998_?)dup

Gene: RPS10 (ribosomal protein S10; minus strand). Cytogenetic location: 6p21.31.
Variant type: Duplication.
Identifiers: ClinVar variation 1014732 (VCV001014732.11).